The following is an entry in ClinVar:

ClinVar aggregate classification (germline): Uncertain significance. Review status: criteria provided, single submitter (1 of 4 stars). 2 submissions from 2 submitters: Uncertain significance (1). 1 of the submissions does not count toward it. Last evaluated 2025-11-10.

Conditions:
Arrhythmogenic right ventricular cardiomyopathy (ARVD). Also called: Arrhythmogenic right ventricular dysplasia; Cardiomyopathy, ARVC; Arrhythmogenic cardiomyopathy; Arrhythmogenic Right Ventricular Cardiomyopathy (ARVC). Identifiers: Orphanet 247, MedGen C0349788, MeSH D019571, MONDO:0016587. Disease mechanism: loss of function. Inheritance: Various modes of inheritance.
Arrhythmogenic cardiomyopathy with wooly hair and keratoderma. Also called: PALMOPLANTAR KERATODERMA WITH LEFT VENTRICULAR CARDIOMYOPATHY AND WOOLLY HAIR; Carvajal syndrome; Dilated cardiomyopathy with woolly hair and keratoderma; Arrhythmogenic cardiomyopathy with woolly hair and keratoderma. Identifiers: Orphanet 65282, MedGen C1854063, MONDO:0011581, OMIM 605676.
Arrhythmogenic right ventricular dysplasia 8 (ARVD8). Also called: ARRHYTHMOGENIC RIGHT VENTRICULAR DYSPLASIA, FAMILIAL, 8; ARRHYTHMOGENIC RIGHT VENTRICULAR CARDIOMYOPATHY 8; Arrhythmogenic Right Ventricular Dysplasia/Cardiomyopathy 8. Identifiers: MedGen C1843896, MONDO:0011831, OMIM 607450.

Submissions (2):

Labcorp Genetics (formerly Invitae), Labcorp
Classification: Uncertain significance for Arrhythmogenic cardiomyopathy with wooly hair and keratoderma; Arrhythmogenic right ventricular dysplasia 8. Last evaluated: 2025-11-10. Review status: criteria provided, single submitter. Criteria: Invitae Variant Classification Sherloc (09022015). Collection method: clinical testing. Allele origin: germline.
Comment: This sequence change replaces arginine, which is basic and polar, with proline, which is neutral and non-polar, at codon 451 of the DSP protein (p.Arg451Pro). This variant is not present in population databases (gnomAD no frequency). This variant has not been reported in the literature in individuals affected with DSP-related conditions. ClinVar contains an entry for this variant (Variation ID: 2412592). An algorithm developed to predict the effect of missense changes on protein structure and function (PolyPhen-2) suggests that this variant is likely to be disruptive. This variant disrupts the p.Arg451 amino acid residue in DSP. Other variant(s) that disrupt this residue have been determined to be pathogenic (PMID: 31194698; internal data). This suggests that this residue is clinically significant, and that variants that disrupt this residue are likely to be disease-causing. In summary, the available evidence is currently insufficient to determine the role of this variant in disease. Therefore, it has been classified as a Variant of Uncertain Significance.

Sangiuolo Lab - Medical Genetics Laboratory, Tor Vergata University
Classification: Likely pathogenic for Arrhythmogenic right ventricular cardiomyopathy. Last evaluated: 2023-01-10. Review status: no assertion criteria provided. Collection method: clinical testing. Allele origin: germline. Affected: yes. Not counted in ClinVar's aggregate classification.

Literature cited by the submitters: PubMed 31194698 (cited by Labcorp Genetics (formerly Invitae), Labcorp).

NM_004415.4(DSP):c.1352G>C (p.Arg451Pro)

Gene: DSP (desmoplakin; plus strand). Cytogenetic location: 6p24.3.
Variant type: single nucleotide variant.
Coding change: c.1352G>C on transcript NM_004415.4 (MANE Select); coding-DNA position 1352, G replaced by C.
Protein change: p.Arg451Pro; replaces arginine 451 with proline.
Molecular consequence: missense variant.
Genome position (GRCh38, 1-based): chr6:7,568,522, G>C. VCF-style: chr6-7568522-G-C. GRCh37 (hg19) VCF-style: chr6-7568755-G-C.
Other names: c.1352G>C, p.Arg451Pro (NM_001008844.3, NM_001319034.2, NM_001406591.1); short protein forms R451P.
Identifiers: ClinVar variation 2412592 (VCV002412592.4), dbSNP rs786204294, ClinGen allele CA362676535.